The following is an entry in ClinVar:

ClinVar aggregate classification (germline): Conflicting classifications of pathogenicity. Review status: criteria provided, conflicting classifications (1 of 4 stars). 12 submissions from 11 submitters: Uncertain significance (7); Likely benign (3). 2 of the submissions do not count toward it. Last evaluated 2026-01-05.

Conditions:
Usher syndrome type 1D (USH1D). Also called: USHER SYNDROME, TYPE ID. Identifiers: Orphanet 231169, Orphanet 886, MedGen C1832845, MONDO:0010984, OMIM 601067.
Pituitary adenoma 5, multiple types. Identifiers: MedGen C4539685, MONDO:0054601, OMIM 617540.
Autosomal recessive nonsyndromic hearing loss 12. Also called: DEAFNESS, AUTOSOMAL RECESSIVE 12. Identifiers: Orphanet 90636, MedGen C1832394, MONDO:0011067, OMIM 601386.
CDH23-related disorder. Also called: CDH23-related condition; CDH23-related disorders.
Usher syndrome type 1 (USH1). Also called: RETINITIS PIGMENTOSA AND CONGENITAL DEAFNESS. Identifiers: Orphanet 231169, Orphanet 886, MedGen C1568247, MONDO:0010168, OMIM 276900.

Allele frequency attached by ClinVar (database versions not stated): gnomAD 0.00006; gnomAD exomes 0.00007 and 0.00021; TOPMed 0.00010; ExAC 0.00015; 1000 Genomes Project 30x 0.00016; 1000 Genomes Project 0.00020.
gnomAD v4.1: 158 of 1,613,948 alleles (0.0098%); highest among the groups gnomAD compares: East Asian, 0.15%; no homozygotes.

Submissions (12):

Labcorp Genetics (formerly Invitae), Labcorp
Classification: Likely benign. Last evaluated: 2026-01-05. Review status: criteria provided, single submitter. Criteria: Invitae Variant Classification Sherloc (09022015). Collection method: clinical testing. Allele origin: germline.

Women's Health and Genetics/Laboratory Corporation of America, LabCorp
Classification: Uncertain significance. Last evaluated: 2025-11-05. Review status: criteria provided, single submitter. Criteria: LabCorp Variant Classification Summary - May 2015. Collection method: clinical testing. Allele origin: germline.
Comment: Variant summary: CDH23 c.6911G>A (p.Arg2304Gln) results in a conservative amino acid change in the encoded protein sequence. Algorithms developed to predict the effect of missense changes on protein structure and function are either unavailable or do not agree on the potential impact of this missense change. The variant allele was found at a frequency of 0.00021 in 249196 control chromosomes. This frequency is not significantly higher than estimated for disease-causing variants in CDH23, allowing no conclusion about variant significance. c.6911G>A has been observed in the presumed compound heterozygous state in at least 2 individual(s) affected with deafness (Ma_2023) as well as in other individual(s) without strong evidence for causality (example, Santos-Cortez_2021). These report(s) do not provide unequivocal conclusions about association of the variant with Usher Syndrome. To our knowledge, no experimental evidence demonstrating an impact on protein function has been reported. The following publications have been ascertained in the context of this evaluation (PMID: 36597107, 27792758, 30535804, 33924653). ClinVar contains an entry for this variant (Variation ID: 46021). Based on the evidence outlined above, the variant was classified as uncertain significance.

Blueprint Genetics
Classification: Likely benign. Last evaluated: 2024-10-28. Review status: criteria provided, single submitter. Criteria: ACMG Guidelines, 2015. Collection method: clinical testing. Allele origin: germline.

GeneDx
Classification: Uncertain significance. Last evaluated: 2021-05-17. Review status: criteria provided, single submitter. Criteria: GeneDx Variant Classification Process June 2021. Collection method: clinical testing. Allele origin: germline. Affected: yes.
Comment: In silico analysis supports that this missense variant does not alter protein structure/function; Has not been previously published as pathogenic or benign to our knowledge.

Ocular Genomics Institute, Massachusetts Eye and Ear
Classification: Uncertain significance for Usher syndrome type 1D. Last evaluated: 2021-04-08. Review status: criteria provided, single submitter. Criteria: ACMG Guidelines, 2015. Collection method: research. Allele origin: germline. Affected: yes.
Comment: Through a review of available evidence we were able to apply the following criteria: PM2. Based on this evidence we have classified this variant as Variant of Uncertain Significance.

Revvity Omics, Revvity
Classification: Uncertain significance. Last evaluated: 2020-03-09. Review status: criteria provided, single submitter. Criteria: ACMG Guidelines, 2015. Collection method: clinical testing. Allele origin: germline.

Laboratory for Molecular Medicine, Mass General Brigham Personalized Medicine
Classification: Likely benign. Last evaluated: 2019-03-01. Review status: criteria provided, single submitter. Criteria: LMM Criteria. Collection method: clinical testing. Allele origin: germline. Observed: 4 variant alleles.
Comment: The p.Arg2309Gln variant in CDH23 is classified as likely benign because it has been identified in 0.24% (47/19534) of East Asian chromosomes by gnomAD, and computational prediction tools do not suggest an impact to the protein. Although it has been previously reported by our laboratory in 3 individuals with hearing loss, none of these individuals were found to have a pathogenic variant in CDH23 in trans.

Fulgent Genetics
Classification: Uncertain significance for Usher syndrome type 1D; Autosomal recessive nonsyndromic hearing loss 12; Pituitary adenoma 5, multiple types. Last evaluated: 2018-10-31. Review status: criteria provided, single submitter. Criteria: ACMG Guidelines, 2015. Collection method: clinical testing. Allele origin: unknown.

Illumina Laboratory Services, Illumina
Classification: Uncertain significance for Autosomal recessive nonsyndromic hearing loss 12. Last evaluated: 2018-01-12. Review status: criteria provided, single submitter. Criteria: ICSL Variant Classification Criteria 13 December 2019. Collection method: clinical testing. Allele origin: germline.

Illumina Laboratory Services, Illumina
Classification: Uncertain significance for Usher syndrome type 1D. Last evaluated: 2018-01-12. Review status: criteria provided, single submitter. Criteria: ICSL Variant Classification Criteria 13 December 2019. Collection method: clinical testing. Allele origin: germline.

PreventionGenetics, part of Exact Sciences
Classification: Likely benign for CDH23-related condition. Last evaluated: 2022-02-14. Review status: no assertion criteria provided. Collection method: clinical testing. Allele origin: germline. Not counted in ClinVar's aggregate classification.
Comment: This variant is classified as likely benign based on ACMG/AMP sequence variant interpretation guidelines (Richards et al. 2015 PMID: 25741868, with internal and published modifications).

Natera, Inc.
Classification: Uncertain significance for Usher syndrome type 1. Last evaluated: 2020-04-17. Review status: no assertion criteria provided. Collection method: clinical testing. Allele origin: germline. Not counted in ClinVar's aggregate classification.

Literature cited by the submitters: PubMed 27792758 (cited by Women's Health and Genetics/Laboratory Corporation of America, LabCorp); PubMed 33924653 (cited by Women's Health and Genetics/Laboratory Corporation of America, LabCorp); PubMed 36597107 (cited by Women's Health and Genetics/Laboratory Corporation of America, LabCorp); PubMed 30535804 (cited by Women's Health and Genetics/Laboratory Corporation of America, LabCorp).

NM_022124.6(CDH23):c.6911G>A (p.Arg2304Gln)

Gene: CDH23 (cadherin related 23; plus strand). Cytogenetic location: 10q22.1.
Variant type: single nucleotide variant.
Coding change: c.6911G>A on transcript NM_022124.6 (MANE Select); coding-DNA position 6911, G replaced by A.
Protein change: p.Arg2304Gln; replaces arginine 2304 with glutamine.
Molecular consequence: missense variant.
Genome position (GRCh38, 1-based): chr10:71,798,435, G>A. VCF-style: chr10-71798435-G-A. GRCh37 (hg19) VCF-style: chr10-73558192-G-A.
Other names: c.191G>A, p.Arg64Gln (NM_001171933.1, NM_001171934.1); short protein forms R2304Q, R64Q.
Identifiers: ClinVar variation 46021 (VCV000046021.30), dbSNP rs201434373, ClinGen allele CA137554.